The following is an entry in ClinVar:

ClinVar aggregate classification (germline): Uncertain significance. Review status: criteria provided, multiple submitters, no conflicts (2 of 4 stars). 2 submissions from 2 submitters: Uncertain significance (2). Last evaluated 2025-11-05.

Conditions:
Hypertrophic cardiomyopathy. Also called: HYPERTROPHIC MYOCARDIOPATHY. Identifiers: Orphanet 217569, MedGen C0007194, MeSH D002312, MONDO:0005045, HP:0001639.

Submissions (2):

Labcorp Genetics (formerly Invitae), Labcorp
Classification: Uncertain significance for Hypertrophic cardiomyopathy. Last evaluated: 2025-11-05. Review status: criteria provided, single submitter. Criteria: Invitae Variant Classification Sherloc (09022015). Collection method: clinical testing. Allele origin: germline.
Comment: This sequence change replaces arginine, which is basic and polar, with proline, which is neutral and non-polar, at codon 1921 of the MYH7 protein (p.Arg1921Pro). This variant is not present in population databases (gnomAD no frequency). This variant has not been reported in the literature in individuals affected with MYH7-related conditions. ClinVar contains an entry for this variant (Variation ID: 228917). Invitae Evidence Modeling of protein sequence and biophysical properties (such as structural, functional, and spatial information, amino acid conservation, physicochemical variation, residue mobility, and thermodynamic stability) indicates that this missense variant is expected to disrupt MYH7 protein function with a positive predictive value of 95%. In summary, the available evidence is currently insufficient to determine the role of this variant in disease. Therefore, it has been classified as a Variant of Uncertain Significance.

Laboratory for Molecular Medicine, Mass General Brigham Personalized Medicine
Classification: Uncertain significance. Last evaluated: 2016-01-12. Review status: criteria provided, single submitter. Criteria: LMM Criteria. Collection method: clinical testing. Allele origin: germline. Observed: 1 variant allele.
Comment: Variant classified as Uncertain Significance - Favor Pathogenic. The p.Arg1921Pr o variant in MYH7 has not been previously reported in individuals with cardiomyo pathy or in large population studies. Arginine (Arg) at position 1921 is highly conserved in mammals and across evolutionarily distant species and the change to proline (Pro) was predicted to be pathogenic using a computational tool clinica lly validated by our laboratory. This tool's pathogenic prediction is estimated to be correct 94% of the time (Jordan 2011). In summary, while there is some sus picion for a pathogenic role, the clinical significance of the p.Arg1921Pro vari ant is uncertain.

NM_000257.4(MYH7):c.5762G>C (p.Arg1921Pro)

Gene: MYH7 (myosin heavy chain 7; minus strand). Cytogenetic location: 14q11.2.
Variant type: single nucleotide variant.
Coding change: c.5762G>C on transcript NM_000257.4 (MANE Select); coding-DNA position 5762, G replaced by C.
Protein change: p.Arg1921Pro; replaces arginine 1921 with proline.
Molecular consequence: missense variant.
Genome position (GRCh38, 1-based): chr14:23,413,787, C>G on the plus strand (G>C on the coding strand, the complement: MYH7 is on the minus strand). VCF-style: chr14-23413787-C-G. GRCh37 (hg19) VCF-style: chr14-23882996-C-G.
Other names: short protein forms R1921P.
Identifiers: ClinVar variation 228917 (VCV000228917.11), dbSNP rs397516256, ClinGen allele CA10576950.
Genomic context (GRCh38, chr14:23,413,787, plus strand): 5'-GGTGACTAGCAAAGCCCAAAAGAGGGACCCACCTTCGTGCCAATGTCACGGCTCTTGGCC[C>G]GCAGCTTGTTGACCTGGGACTCGGCGATGTCCGCCCGCTCCTCTGCCTCATCCAGCTCGT-3'
Protein context (NP_000248.2, residues 1911-1931): DIAESQVNKL[Arg1921Pro]AKSRDIGTKG